The following is an entry in ClinVar:

ClinVar aggregate classification (germline): Uncertain significance (1 of 4 stars; one submission).

Submission:

ISCA Site 6
Classification: Uncertain significance. Last evaluated: 2011-08-12. Review status: criteria provided, single submitter. Criteria: Kaminsky et al. (Genet Med. 2011). Collection method: clinical testing. Allele origin: unknown. Affected: yes. Observed: 1 variant allele.
Comment: Copy number variation identified through the course of routine clinical cytogenomic testing in postnatal populations. Clinical assertions have been curated as described in Kaminsky et al. 2011.

GRCh38/hg38 22q11.23(chr22:23285152-24723136)x3

Genes: IGLL1 (immunoglobulin lambda like polypeptide 1; minus strand), LINC01659 (long intergenic non-protein coding RNA 1659; plus strand), LINC02556 (long intergenic non-protein coding RNA 2556; plus strand), LINC02557 (long intergenic non-protein coding RNA 2557; minus strand), ADORA2A (adenosine A2a receptor; plus strand) and 81 more. Cytogenetic location: 22q11.23.
Variant type: copy number gain.
Change: copy number 3 (three copies instead of two) of chr22:23,285,152-24,723,136 (1.44 Mb, GRCh38 coordinates, 1-based), cytogenetic band 22q11.23.
Identifiers: ClinVar variation 59331 (VCV000059331.3).